The following is an entry in ClinVar:

NM_174936.4(PCSK9):c.960C>A (p.Asp320Glu)

Gene: PCSK9 (proprotein convertase subtilisin/kexin type 9; plus strand). Cytogenetic location: 1p32.3.
Variant type: single nucleotide variant.
Coding change: c.960C>A on transcript NM_174936.4 (MANE Select); coding-DNA position 960, C replaced by A.
Protein change: p.Asp320Glu; replaces aspartic acid 320 with glutamic acid.
Molecular consequence: missense variant. On other transcripts: non-coding transcript variant (8).
Genome position (GRCh38, 1-based): chr1:55,056,153, C>A. VCF-style: chr1-55056153-C-A. GRCh37 (hg19) VCF-style: chr1-55521826-C-A.
Other names: c.1083C>A, p.Asp361Glu (NM_001407240.1); c.960C>A, p.Asp320Glu (NM_001407241.1, NM_001407244.1, NM_001407247.1); c.963C>A, p.Asp321Glu (NM_001407242.1); c.903C>A, p.Asp301Glu (NM_001407243.1); c.768C>A, p.Asp256Glu (NM_001407245.1); c.585C>A, p.Asp195Glu (NM_001407246.1); short protein forms D195E, D256E, D301E, D320E, D321E, D361E.
Identifiers: ClinVar variation 3075045 (VCV003075045.4), dbSNP rs910368517, ClinGen allele CA22762783.

ClinVar aggregate classification (germline): Uncertain significance. Review status: criteria provided, multiple submitters, no conflicts (2 of 4 stars). 4 submissions from 4 submitters: Uncertain significance (4). Last evaluated 2025-03-30.

Conditions:
Hypercholesterolemia, autosomal dominant, 3 (FHCL3). Also called: Familial Hypercholesterolemia, Autosomal Dominant, 3; PCSK9-Related Familial Hypercholesterolemia, Autosomal Dominant; Familial hypercholesterolemia 3. Identifiers: MedGen C1863551, MONDO:0011369, OMIM 603776.
Cardiovascular phenotype. Identifiers: MedGen CN230736.

gnomAD v4.1: 2 of 1,532,786 alleles (0.00013%); highest among the groups gnomAD compares: Non-Finnish European, 0.00018%; no homozygotes.

Submissions (4):

Labcorp Genetics (formerly Invitae), Labcorp
Classification: Uncertain significance for Hypercholesterolemia, autosomal dominant, 3. Last evaluated: 2025-03-30. Review status: criteria provided, single submitter. Criteria: Invitae Variant Classification Sherloc (09022015). Collection method: clinical testing. Allele origin: germline.
Comment: This sequence change replaces aspartic acid, which is acidic and polar, with glutamic acid, which is acidic and polar, at codon 320 of the PCSK9 protein (p.Asp320Glu). This variant is not present in population databases (gnomAD no frequency). This variant has not been reported in the literature in individuals affected with PCSK9-related conditions. ClinVar contains an entry for this variant (Variation ID: 3075045). Invitae Evidence Modeling of protein sequence and biophysical properties (such as structural, functional, and spatial information, amino acid conservation, physicochemical variation, residue mobility, and thermodynamic stability) indicates that this missense variant is not expected to disrupt PCSK9 protein function with a negative predictive value of 80%. In summary, the available evidence is currently insufficient to determine the role of this variant in disease. Therefore, it has been classified as a Variant of Uncertain Significance.

Women's Health and Genetics/Laboratory Corporation of America, LabCorp
Classification: Uncertain significance. Last evaluated: 2024-11-19. Review status: criteria provided, single submitter. Criteria: LabCorp Variant Classification Summary - May 2015. Collection method: clinical testing. Allele origin: germline.
Comment: Variant summary: PCSK9 c.960C>A (p.Asp320Glu) results in a conservative amino acid change located in the Serine proteases, subtilase domain of the encoded protein sequence. Five of five in-silico tools predict a benign effect of the variant on protein function. The frequency data for this variant in gnomAD is considered unreliable, as metrics indicate poor data quality at this position. To our knowledge, no occurrence of c.960C>A in individuals affected with Familial Hypercholesterolemia and no experimental evidence demonstrating its impact on protein function have been reported. ClinVar contains an entry for this variant (Variation ID: 3075045). Based on the evidence outlined above, the variant was classified as uncertain significance.

Ambry Genetics
Classification: Uncertain significance for Cardiovascular phenotype. Last evaluated: 2024-04-27. Review status: criteria provided, single submitter. Criteria: Ambry Variant Classification Scheme 2023. Collection method: clinical testing. Allele origin: germline.
Comment: The p.D320E variant (also known as c.960C>A), located in coding exon 6 of the PCSK9 gene, results from a C to A substitution at nucleotide position 960. The aspartic acid at codon 320 is replaced by glutamic acid, an amino acid with highly similar properties. This amino acid position is conserved. In addition, this alteration is predicted to be tolerated by in silico analysis. Based on the available evidence, the clinical significance of this variant remains unclear.

All of Us Research Program, National Institutes of Health
Classification: Uncertain significance for Hypercholesterolemia, autosomal dominant, 3. Last evaluated: 2023-12-18. Review status: criteria provided, single submitter. Criteria: ACMG Guidelines, 2015. Collection method: clinical testing. Allele origin: germline. Inheritance: Autosomal dominant inheritance. Observed: 1 variant allele, 1 heterozygote.
Comment: This missense variant replaces aspartic acid with glutamic acid at codon 320 of the PCSK9 protein. Computational prediction suggests that this variant may not impact protein structure and function (internally defined REVEL score threshold <= 0.5, PMID: 27666373). To our knowledge, functional studies have not been reported for this variant. This variant has not been reported in individuals affected with PCSK9-related disorders in the literature. This variant has not been identified in the general population by the Genome Aggregation Database (gnomAD). The available evidence is insufficient to determine the role of this variant in disease conclusively. Therefore, this variant is classified as a Variant of Uncertain Significance.

This study involves interpretation of variants in research participants for the purpose of population health screening. Participant phenotype was not available at the time of variant classification. Additional details can be found in publication PMID: 35346344, PMCID: PMC8962531